The following is an entry in ClinVar:

ClinVar aggregate classification (germline): Pathogenic. Review status: criteria provided, multiple submitters, no conflicts (2 of 4 stars). 16 submissions from 16 submitters: Pathogenic (12). 4 of the submissions do not count toward it. Last evaluated 2026-01-15.

Conditions:
MMAB-related disorder. Also called: MMAB-related condition.
Methylmalonic aciduria. Identifiers: MedGen C1855119, HP:0012120.
Methylmalonic aciduria, cblB type (MACB). Also called: Vitamin B12-responsive methylmalonic acidemia type cblB; METHYLMALONIC ACIDURIA, VITAMIN B12-RESPONSIVE, DUE TO DEFECT IN SYNTHESIS OF ADENOSYLCOBALAMIN, cblB TYPE; Methylmalonic acidemia cblB type. Identifiers: Orphanet 28, Orphanet 79311, MedGen C1855102, MONDO:0009614, OMIM 251110.
Methylmalonic acidemia (MMA). Also called: Isolated Methylmalonic Acidemia. Identifiers: MedGen C0268583, MeSH C537358, MONDO:0002012, HP:0002912.

Allele frequency attached by ClinVar (database versions not stated): gnomAD 0.00001; gnomAD exomes 0.00004 and 0.00002; TOPMed 0.00001; ExAC 0.00002.

Submissions (16):

Natera, Inc.
Classification: Pathogenic for Methylmalonic aciduria cblB type. Last evaluated: 2026-01-15. Review status: criteria provided, single submitter. Criteria: Natera Variant Classification Schema (03/2026). Collection method: clinical testing. Allele origin: germline.
Comment: The c.197-1G>T variant in MMAB is a canonical splice acceptor site variant predicted to affect pre-mRNA splicing, which may result in an abnormal transcript and altered protein product. This variant is expected to result in nonsense mediated decay, truncation, or a dysfunctional protein product. This variant is rare in the general population with a frequency below the threshold expected for the associated phenotype(s). This variant has been observed in one or more individuals affected with the associated recessive disease, as either homozygous or compound heterozygous with a second variant (PMID: 16410054). Given the available evidence, this variant is classified as Pathogenic.

PreventionGenetics, part of Exact Sciences
Classification: Pathogenic for MMAB-related condition. Last evaluated: 2025-09-19. Review status: criteria provided, single submitter. Criteria: ACMG Guidelines, 2015. Collection method: clinical testing. Allele origin: germline.
Comment: The MMAB c.197-1G>T variant is predicted to disrupt the AG splice acceptor site and interfere with normal splicing. This variant has been reported in the homozygous or compound heterozygous state in multiple individuals with methylmalonic aciduria (see for example, Table 1, Forny et al. 2021. PubMed ID: 34796408; Table 1, Lerner-Ellis et al. 2006. PubMed ID: 16410054). This variant is reported in 0.026% of alleles in individuals of South Asian descent in gnomAD. Variants that disrupt the consensus splice acceptor site in MMAB are expected to be pathogenic. This variant is interpreted as pathogenic.

Revvity Omics, Revvity
Classification: Pathogenic for Methylmalonic aciduria, cblB type. Last evaluated: 2025-04-22. Review status: criteria provided, single submitter. Criteria: ACMG Guidelines, 2015. Collection method: clinical testing. Allele origin: germline.

Dubai Health Genomic Medicine Center, Dubai Health
Classification: Pathogenic for Methylmalonic aciduria. Last evaluated: 2024-10-04. Review status: criteria provided, single submitter. Criteria: ACMG Guidelines, 2015. Collection method: research. Allele origin: germline. Affected: yes.
Comment: PVS1, PS3,PM3 (modertae),PM2

Fulgent Genetics
Classification: Pathogenic for Methylmalonic aciduria, cblB type. Last evaluated: 2024-05-31. Review status: criteria provided, single submitter. Criteria: ACMG Guidelines, 2015. Collection method: clinical testing. Allele origin: germline.

Labcorp Genetics (formerly Invitae), Labcorp
Classification: Pathogenic for Methylmalonic aciduria, cblB type. Last evaluated: 2024-03-12. Review status: criteria provided, single submitter. Criteria: Invitae Variant Classification Sherloc (09022015). Collection method: clinical testing. Allele origin: germline.
Comment: This sequence change affects an acceptor splice site in intron 2 of the MMAB gene. It is expected to disrupt RNA splicing. Variants that disrupt the donor or acceptor splice site typically lead to a loss of protein function (PMID: 16199547), and loss-of-function variants in MMAB are known to be pathogenic (PMID: 15781192, 16410054). This variant is present in population databases (rs763935916, gnomAD 0.03%). Disruption of this splice site has been observed in individuals with methylmalonic aciduria cobalamin B type (PMID: 16410054, 30022420). This variant is also known as IVS2-1G>T. ClinVar contains an entry for this variant (Variation ID: 219008). Algorithms developed to predict the effect of sequence changes on RNA splicing suggest that this variant may disrupt the consensus splice site. For these reasons, this variant has been classified as Pathogenic.

Baylor Genetics
Classification: Pathogenic for Methylmalonic aciduria, cblB type. Last evaluated: 2024-02-25. Review status: criteria provided, single submitter. Criteria: ACMG Guidelines, 2015. Collection method: clinical testing. Allele origin: unknown.

Laboratory for Molecular Medicine, Mass General Brigham Personalized Medicine
Classification: Pathogenic for Methylmalonic acidemia. Last evaluated: 2022-06-30. Review status: criteria provided, single submitter. Criteria: ACMG Guidelines, 2015. Collection method: clinical testing. Allele origin: germline.
Comment: The c.197-1G>T variant in MMAB (also known as IVS2-1G>T) has been reported, in the homozygous and compound heterozygous state, in several individuals affected with methylmalonic aciduria cobalamin B type (Lerner-Ellis 2006 PMID: 16410054, Dobson 2002 PMID: 12471062, Al-Shamsi 2014 PMID: 24516753, Shafaat 2018 PMID: 30022420, Al-Jasmi 2016 PMID: 26589311). It has also been reported in ClinVar (Variation ID 219008). It has also been identified in 1/67974 European chromosomes by gnomAD. This variant occurs within the canonical splice site (+/- 1,2) and is predicted to cause altered splicing leading to an abnormal or absent protein. Loss of function of the MMAB gene is an established disease mechanism in autosomal recessive methylmalonic aciduria cobalamin B type. In summary, this variant meets criteria to be classified as pathogenic for autosomal recessive methylmalonic aciduria cobalamin B type. ACMG/AMP Criteria applied: PM2_Supporting, PVS1_Strong, PM3_Strong.

Myriad Genetics, Inc.
Classification: Pathogenic for Methylmalonic aciduria, cblB type. Last evaluated: 2021-11-15. Review status: criteria provided, single submitter. Criteria: Myriad Women's Health Autosomal Recessive and X-Linked Classification Criteria (2021). Collection method: clinical testing. Allele origin: unknown.
Comment: NM_052845.3(MMAB):c.197-1G>T is a canonical splice variant classified as pathogenic in the context of methylmalonic acidemia, cblB type. c.197-1G>T has been observed in cases with relevant disease (PMID: 12471062, 24516753, 30022420, 26589311). Functional assessments of this variant are not available in the literature. c.197-1G>T has been observed in population frequency databases (gnomAD: SAS 0.03%). In summary, NM_052845.3(MMAB):c.197-1G>T is a canonical splice variant in a gene where loss of function is a known mechanism of disease, is predicted to disrupt protein function, and has been observed more frequently in cases with the relevant disease than in healthy populations. Please note: this variant was assessed in the context of healthy population screening.

Institute of Human Genetics Munich, TUM University Hospital
Classification: Pathogenic for Methylmalonic aciduria, cblB type. Last evaluated: 2018-11-16. Review status: criteria provided, single submitter. Criteria: Classification criteria August 2017. Collection method: clinical testing. Allele origin: germline. Inheritance: Autosomal recessive inheritance. Affected: yes. Observed: 1 homozygote.

Women's Health and Genetics/Laboratory Corporation of America, LabCorp
Classification: Pathogenic for Methylmalonic acidemia. Last evaluated: 2016-07-08. Review status: criteria provided, single submitter. Criteria: LabCorp Variant Classification Summary - May 2015. Collection method: clinical testing. Allele origin: germline.
Comment: Variant summary: The c.197-1G>T in MMAB gene is a splice-site variant that alters a highly conserved nucleotide with 5/5 in silico tools via Alamut predicting this variant to disrupt a canonical acceptor sequence. These predictions were confirmed by functional assay (Dobson, 2002). The variant is present in the large, broad control population, ExAC with an allele frequency of 3/121374 (1/40458), which does not exceed the estimated maximum allele frequency for a pathogenic allele in this gene of 1/714 (0.0014). The variant was found in multiple affected individuals with an established diagnosis of methylmalonic aciduria. Fibroblast lines from homozygous carriers had decreased incorporation of label from [14C] propionate into cellular macromolecules and decreased synthesis of AdoCbl from exogenous [57Co]CNCb. Lastly, reputable databases/diagnostic centers classify the variant of interest as Pathogenic. Taken together, the variant has been classified as Pathogenic.

Kariminejad - Najmabadi Pathology & Genetics Center
Classification: Pathogenic for Methylmalonic aciduria, cblB type. Review status: criteria provided, single submitter. Criteria: ACMG Guidelines, 2015. Collection method: clinical testing. Allele origin: germline. Affected: no.

Baumgartner lab, University Children's Hospital Zurich
Classification: Pathogenic for Methylmalonic aciduria, cblB type. Last evaluated: 2021-06-01. Review status: no assertion criteria provided. Collection method: clinical testing. Allele origin: germline. Affected: yes. Not counted in ClinVar's aggregate classification.

Shieh Lab, University of California, San Francisco
Classification: Pathogenic for Vitamin B12-responsive methylmalonic acidemia type cblB. Last evaluated: 2020-10-19. Review status: no assertion criteria provided. Collection method: research. Allele origin: germline. Affected: yes. Not counted in ClinVar's aggregate classification.

Foundation for Research in Genetics and Endocrinology, FRIGE's Institute of Human Genetics
Classification: Pathogenic for Methylmalonic aciduria, cblB type. Review status: no assertion criteria provided. Collection method: clinical testing. Allele origin: germline. Inheritance: Autosomal recessive inheritance. Affected: no. Observed: 1 variant allele, 1 heterozygote. Not counted in ClinVar's aggregate classification.
Comment: The observed variant is not reported in 1000 genomes database and is likely to be pathogenic by In Silico analysis using mutation taster.

GeneReviews
No classification provided. Condition: Methylmalonic aciduria, cblB type. Review status: no classification provided. Collection method: literature only. Allele origin: germline. Affected: yes. Not counted in ClinVar's aggregate classification.

Literature cited by the submitters: PubMed 16410054 (cited by Natera, Inc. and Labcorp Genetics (formerly Invitae), Labcorp); PubMed 16199547 (cited by Labcorp Genetics (formerly Invitae), Labcorp); PubMed 15781192 (cited by Labcorp Genetics (formerly Invitae), Labcorp); PubMed 30022420 (cited by Labcorp Genetics (formerly Invitae), Labcorp and Myriad Genetics, Inc.); PubMed 12471062 (cited by Myriad Genetics, Inc. and Women's Health and Genetics/Laboratory Corporation of America, LabCorp); PubMed 26589311 (cited by Myriad Genetics, Inc. and Women's Health and Genetics/Laboratory Corporation of America, LabCorp); PubMed 24516753 (cited by Myriad Genetics, Inc.); PubMed 15523652 (cited by Women's Health and Genetics/Laboratory Corporation of America, LabCorp); NCBI Bookshelf NBK1231 (cited by GeneReviews).

NM_052845.4(MMAB):c.197-1G>T

Gene: MMAB (metabolism of cobalamin associated B; minus strand). Cytogenetic location: 12q24.11.
Variant type: single nucleotide variant.
Coding change: c.197-1G>T on transcript NM_052845.4 (MANE Select); the canonical splice acceptor site of the intron before coding-DNA position 197, G replaced by T.
Molecular consequence: splice acceptor variant.
Genome position (GRCh38, 1-based): chr12:109,568,864, C>A on the plus strand (G>T on the coding strand, the complement: MMAB is on the minus strand). VCF-style: chr12-109568864-C-A. GRCh37 (hg19) VCF-style: chr12-110006669-C-A.
Identifiers: ClinVar variation 219008 (VCV000219008.31), dbSNP rs763935916, ClinGen allele CA347865.